The following is an entry in ClinVar:

NM_152564.5(VPS13B):c.10521C>T (p.Tyr3507=)

Gene: VPS13B (vacuolar protein sorting 13 homolog B; plus strand). Cytogenetic location: 8q22.2.
Variant type: single nucleotide variant.
Coding change: c.10521C>T on transcript NM_152564.5 (MANE Select); coding-DNA position 10521, C replaced by T.
Protein change: p.Tyr3507=; no amino-acid change (tyrosine 3507 retained).
Molecular consequence: synonymous variant.
Genome position (GRCh38, 1-based): chr8:99,853,910, C>T. VCF-style: chr8-99853910-C-T. GRCh37 (hg19) VCF-style: chr8-100866138-C-T.
Other names: c.10521C>T (NM_152564.4); c.10596C>T, p.Tyr3532= (NM_017890.5).
Identifiers: ClinVar variation 287482 (VCV000287482.28), dbSNP rs767239312, ClinGen allele CA4824963.
Genomic context (GRCh38, chr8:99,853,910, plus strand): 5'-CAAGAGCATCCTCTGTGATATTAATGAGTTCAGCTTTGAATTAAAACCTGCTCGGTTATA[C>T]GTGGAAGACACATTTGTATACTACATCAAGACTTTGTTTGACACCTACCTTCCTAACAGC-3'
Protein context (NP_689777.3, residues 3497-3517): FSFELKPARL[Tyr3507=]VEDTFVYYIK

ClinVar aggregate classification (germline): Conflicting classifications of pathogenicity. Review status: criteria provided, conflicting classifications (1 of 4 stars). 7 submissions from 7 submitters: Uncertain significance (1); Likely benign (4). 2 of the submissions do not count toward it. Last evaluated 2026-01-30.

Conditions:
Inborn genetic diseases. Identifiers: MedGen C0950123, MeSH D030342.
Cohen syndrome (COH1). Also called: Cutis verticis gyrata, retinitis pigmentosa, and sensorineural deafness; PEPPER SYNDROME. Identifiers: Orphanet 193, MedGen C0265223, MONDO:0008999, OMIM 216550.
VPS13B-related disorder. Also called: VPS13B-related condition.

Allele frequency attached by ClinVar (database versions not stated): gnomAD exomes 0.00003 and 0.00014; ExAC 0.00006; TOPMed 0.00019; gnomAD 0.00032 and 0.00034.
gnomAD v4.1: 99 of 1,614,098 alleles (0.0061%); highest among the groups gnomAD compares: Admixed American, 0.11%; no homozygotes.

Submissions (7):

Labcorp Genetics (formerly Invitae), Labcorp
Classification: Likely benign for Cohen syndrome. Last evaluated: 2026-01-30. Review status: criteria provided, single submitter. Criteria: Invitae Variant Classification Sherloc (09022015). Collection method: clinical testing. Allele origin: germline.

Blueprint Genetics
Classification: Likely benign. Last evaluated: 2022-06-15. Review status: criteria provided, single submitter. Criteria: ACMG Guidelines, 2015. Collection method: clinical testing. Allele origin: germline.

Ambry Genetics
Classification: Likely benign for Inborn genetic diseases. Last evaluated: 2018-06-12. Review status: criteria provided, single submitter. Criteria: Ambry Variant Classification Scheme 2023. Collection method: clinical testing. Allele origin: germline.

Genetic Services Laboratory, University of Chicago
Classification: Likely benign. Last evaluated: 2016-09-09. Review status: criteria provided, single submitter. Criteria: ACMG Guidelines, 2015. Collection method: clinical testing. Allele origin: germline. Affected: no.

Eurofins Ntd Llc (ga)
Classification: Uncertain significance. Last evaluated: 2016-04-14. Review status: criteria provided, single submitter. Criteria: EGL Classification Definitions 2015. Collection method: clinical testing. Allele origin: germline. Observed: 1 variant allele, 1 heterozygote.

PreventionGenetics, part of Exact Sciences
Classification: Likely benign for VPS13B-related condition. Last evaluated: 2021-12-28. Review status: no assertion criteria provided. Collection method: clinical testing. Allele origin: germline. Not counted in ClinVar's aggregate classification.
Comment: This variant is classified as likely benign based on ACMG/AMP sequence variant interpretation guidelines (Richards et al. 2015 PMID: 25741868, with internal and published modifications).

Natera, Inc.
Classification: Likely benign for Cohen syndrome. Last evaluated: 2019-12-27. Review status: no assertion criteria provided. Collection method: clinical testing. Allele origin: germline. Not counted in ClinVar's aggregate classification.